The following is an entry in ClinVar:

NM_003673.4(TCAP):c.*54G>A

Gene: TCAP (titin-cap; plus strand). Cytogenetic location: 17q12.
Variant type: single nucleotide variant.
Coding change: c.*54G>A on transcript NM_003673.4 (MANE Select); 54 bases downstream of the stop codon, G replaced by A.
Molecular consequence: 3 prime UTR variant.
Genome position (GRCh38, 1-based): chr17:39,666,163, G>A. VCF-style: chr17-39666163-G-A. GRCh37 (hg19) VCF-style: chr17-37822416-G-A.
Identifiers: ClinVar variation 889706 (VCV000889706.7), dbSNP rs45592941, ClinGen allele CA290434287.
Genomic context (GRCh38, chr17:39,666,163, plus strand): 5'-AGGCTGAGAGGGACTGTGACTTGGGCTCCGCTGTGCCCGCCCTGGGCTGGGCCCTTCCTG[G>A]CTAGGACTGTGGAGGGGAGCTGCTGGCCATGGCTGCTTTGTAGTTTGCCCAGAGTTGGGG-3'

ClinVar aggregate classification (germline): Conflicting classifications of pathogenicity. Review status: criteria provided, conflicting classifications (1 of 4 stars). 3 submissions from 2 submitters: Uncertain significance (1); Likely benign (2). Last evaluated 2018-06-16.

Conditions:
Autosomal recessive limb-girdle muscular dystrophy type 2G (LGMDR7). Also called: Limb-girdle muscular dystrophy, type 2G; Telethoninopathy; MUSCULAR DYSTROPHY, LIMB-GIRDLE, AUTOSOMAL RECESSIVE 7. Identifiers: Orphanet 34514, MedGen C1866008, MONDO:0011170, OMIM 601954.
Hypertrophic cardiomyopathy 25 (CMH25). Also called: CARDIOMYOPATHY, FAMILIAL HYPERTROPHIC, 25. Identifiers: MedGen C4225408, MONDO:0011843, OMIM 607487.

Allele frequency attached by ClinVar (database versions not stated): 1000 Genomes Project 0.00379; 1000 Genomes Project 30x 0.00390; gnomAD 0.00403 and 0.00433; TOPMed 0.00484.

Submissions (3):

GeneDx
Classification: Likely benign. Last evaluated: 2018-06-16. Review status: criteria provided, single submitter. Criteria: GeneDx Variant Classification Process June 2021. Collection method: clinical testing. Allele origin: germline. Affected: yes.

Illumina Laboratory Services, Illumina
Classification: Likely benign for Cardiomyopathy, Dilated, 1N. Last evaluated: 2018-01-12. Review status: criteria provided, single submitter. Criteria: ICSL Variant Classification Criteria 13 December 2019. Collection method: clinical testing. Allele origin: germline.
Comment: This variant was observed in the ICSL laboratory as part of a predisposition screen in an ostensibly healthy population. It had not been previously curated by ICSL or reported in the Human Gene Mutation Database (HGMD: prior to June 1st, 2018), and was therefore a candidate for classification through an automated scoring system. Utilizing variant allele frequency, disease prevalence and penetrance estimates, and inheritance mode, an automated score was calculated to assess if this variant is too frequent to cause the disease. Based on the score and internal cut-off values, a variant classified as likely benign is not then subjected to further curation. The score for this variant resulted in a classification of likely benign for this disease.

Illumina Laboratory Services, Illumina
Classification: Uncertain significance for Autosomal recessive limb-girdle muscular dystrophy type 2G. Last evaluated: 2018-01-12. Review status: criteria provided, single submitter. Criteria: ICSL Variant Classification Criteria 13 December 2019. Collection method: clinical testing. Allele origin: germline.